The following is an entry in ClinVar:

NM_000204.5(CFI):c.1045-12T>G

Gene: CFI (complement factor I; minus strand). Cytogenetic location: 4q25.
Variant type: single nucleotide variant.
Coding change: c.1045-12T>G on transcript NM_000204.5 (MANE Select); 12 bases into the intron before coding-DNA position 1045, T replaced by G.
Molecular consequence: intron variant.
Genome position (GRCh38, 1-based): chr4:109,749,333, A>C on the plus strand (T>G on the coding strand, the complement: CFI is on the minus strand). VCF-style: chr4-109749333-A-C. GRCh37 (hg19) VCF-style: chr4-110670489-A-C.
Other names: c.1024-12T>G (NM_001375282.1, NM_001375280.1, NM_001331035.2); c.1045-12T>G (NM_001375281.1, NM_001375279.1); c.1069-12T>G (NM_001375278.1, NM_001318057.2); c.436-12T>G (NM_001375284.1); c.988-12T>G (NM_001375283.1).
Identifiers: ClinVar variation 1930067 (VCV001930067.5), dbSNP rs771422798, ClinGen allele CA3042025.

ClinVar aggregate classification (germline): Uncertain significance (1 of 4 stars; one submission).

Allele frequency attached by ClinVar (database versions not stated): ExAC 0.00002; gnomAD 0.00003; TOPMed 0.00003; gnomAD exomes 0.00010.
gnomAD v4.1: 148 of 1,608,728 alleles (0.0092%); highest among the groups gnomAD compares: Non-Finnish European, 0.012%; 1 homozygote.

Submission:

Labcorp Genetics (formerly Invitae), Labcorp
Classification: Uncertain significance. Last evaluated: 2025-05-22. Review status: criteria provided, single submitter. Criteria: Invitae Variant Classification Sherloc (09022015). Collection method: clinical testing. Allele origin: germline.
Comment: This sequence change falls in intron 9 of the CFI gene. It does not directly change the encoded amino acid sequence of the CFI protein. This variant is present in population databases (rs771422798, gnomAD 0.007%). This variant has not been reported in the literature in individuals affected with CFI-related conditions. ClinVar contains an entry for this variant (Variation ID: 1930067). Algorithms developed to predict the effect of sequence changes on RNA splicing suggest that this variant may disrupt the consensus splice site. In summary, the available evidence is currently insufficient to determine the role of this variant in disease. Therefore, it has been classified as a Variant of Uncertain Significance.